The following is an entry in ClinVar:

ClinVar aggregate classification (germline): Conflicting classifications of pathogenicity. Review status: criteria provided, conflicting classifications (1 of 4 stars). 3 submissions from 3 submitters: Uncertain significance (2); Likely benign (1). Last evaluated 2023-03-23.

Conditions:
Hereditary breast ovarian cancer syndrome. Also called: Hereditary breast and ovarian cancer syndrome; Hereditary breast and ovarian cancer; Hereditary breast and ovarian cancer syndrome (HBOC); Breast and ovarian cancer; Hereditary breast and/or ovarian cancer syndrome; BRCA1- and BRCA2-Associated Hereditary Breast and Ovarian Cancer. Identifiers: Orphanet 145, MedGen C0677776, MeSH D061325, MONDO:0003582. Disease mechanism: loss of function.
Hereditary cancer-predisposing syndrome. Also called: Neoplastic Syndromes, Hereditary; Tumor predisposition; Hereditary Cancer Syndrome; Hereditary neoplastic syndrome. Identifiers: Orphanet 140162, MedGen C0027672, MeSH D009386, MONDO:0015356.

Submissions (3):

University of Washington Department of Laboratory Medicine, University of Washington
Classification: Likely benign for Hereditary cancer-predisposing syndrome. Last evaluated: 2023-03-23. Review status: criteria provided, single submitter. Criteria: Dines et al. (Genet Med. 2020). Collection method: curation. Allele origin: germline.
Comment: Missense variant in a coldspot region where missense variants are very unlikely to be pathogenic (PMID:31911673).

BRCA2 exon 11 coldspot. Reclassification based on statistical prior probability.

Labcorp Genetics (formerly Invitae), Labcorp
Classification: Uncertain significance for Hereditary breast ovarian cancer syndrome. Last evaluated: 2023-03-02. Review status: criteria provided, single submitter. Criteria: Invitae Variant Classification Sherloc (09022015). Collection method: clinical testing. Allele origin: germline.
Comment: In summary, the available evidence is currently insufficient to determine the role of this variant in disease. Therefore, it has been classified as a Variant of Uncertain Significance. Advanced modeling of protein sequence and biophysical properties (such as structural, functional, and spatial information, amino acid conservation, physicochemical variation, residue mobility, and thermodynamic stability) performed at Invitae indicates that this missense variant is not expected to disrupt BRCA2 protein function. ClinVar contains an entry for this variant (Variation ID: 485445). This variant has not been reported in the literature in individuals affected with BRCA2-related conditions. This variant is not present in population databases (gnomAD no frequency). This sequence change replaces glutamic acid, which is acidic and polar, with glycine, which is neutral and non-polar, at codon 816 of the BRCA2 protein (p.Glu816Gly).

Ambry Genetics
Classification: Uncertain significance for Hereditary cancer-predisposing syndrome. Last evaluated: 2017-08-23. Review status: criteria provided, single submitter. Criteria: Ambry Variant Classification Scheme 2023. Collection method: clinical testing. Allele origin: germline.
Comment: The p.E816G variant (also known as c.2447A>G), located in coding exon 10 of the BRCA2 gene, results from an A to G substitution at nucleotide position 2447. The glutamic acid at codon 816 is replaced by glycine, an amino acid with similar properties. This amino acid position is not well conserved in available vertebrate species. In addition, this alteration is predicted to be tolerated by in silico analysis. Since supporting evidence is limited at this time, the clinical significance of this alteration remains unclear.

NM_000059.4(BRCA2):c.2447A>G (p.Glu816Gly)

Gene: BRCA2 (BRCA2 DNA repair associated; plus strand). Cytogenetic location: 13q13.1.
Variant type: single nucleotide variant.
Coding change: c.2447A>G on transcript NM_000059.4 (MANE Select); coding-DNA position 2447, A replaced by G.
Protein change: p.Glu816Gly; replaces glutamic acid 816 with glycine.
Molecular consequence: missense variant.
Genome position (GRCh38, 1-based): chr13:32,336,802, A>G. VCF-style: chr13-32336802-A-G. GRCh37 (hg19) VCF-style: chr13-32910939-A-G.
Other names: short protein forms E816G.
Identifiers: ClinVar variation 485445 (VCV000485445.10), dbSNP rs1555282673, ClinGen allele CA387772261.